The following is an entry in ClinVar:

ClinVar aggregate classification (germline): Benign/Likely benign. Review status: criteria provided, multiple submitters, no conflicts (2 of 4 stars). 5 submissions from 5 submitters: Benign (2); Likely benign (3). Last evaluated 2026-01-26.

Conditions:
Tuberous sclerosis syndrome (TSC). Also called: Tuberous Sclerosis Complex; Tuberous sclerosis. Identifiers: Orphanet 805, MedGen C0041341, MONDO:0001734.
Tuberous sclerosis 2 (TSC2). Identifiers: Orphanet 805, MedGen C1860707, MONDO:0013199, OMIM 613254.
Hereditary cancer-predisposing syndrome. Also called: Neoplastic Syndromes, Hereditary; Hereditary neoplastic syndrome; Tumor predisposition; Hereditary Cancer Syndrome. Identifiers: Orphanet 140162, MedGen C0027672, MeSH D009386, MONDO:0015356.

Allele frequency attached by ClinVar (database versions not stated): gnomAD exomes below 0.00001 and 0.00001; ExAC 0.00001.
gnomAD v4.1: 4 of 1,612,970 alleles (0.00025%); highest among the groups gnomAD compares: African/African-American, 0.0013%; no homozygotes.

Submissions (5):

Labcorp Genetics (formerly Invitae), Labcorp
Classification: Likely benign for Tuberous sclerosis 2. Last evaluated: 2026-01-26. Review status: criteria provided, single submitter. Criteria: Invitae Variant Classification Sherloc (09022015). Collection method: clinical testing. Allele origin: germline.

Myriad Genetics, Inc.
Classification: Benign for Tuberous sclerosis 2. Last evaluated: 2025-05-30. Review status: criteria provided, single submitter. Criteria: Myriad Autosomal Dominant, Autosomal Recessive and X-Linked Classification Criteria (2023). Collection method: clinical testing. Allele origin: unknown.
Comment: This variant is considered benign. This variant is a silent/synonymous amino acid change and it is not expected to impact splicing.

All of Us Research Program, National Institutes of Health
Classification: Likely benign for Tuberous sclerosis syndrome. Last evaluated: 2023-12-18. Review status: criteria provided, single submitter. Criteria: ACMG Guidelines, 2015. Collection method: clinical testing. Allele origin: germline. Inheritance: Autosomal dominant inheritance. Observed: 1 variant allele, 1 heterozygote.
Comment: This study involves interpretation of variants in research participants for the purpose of population health screening. Participant phenotype was not available at the time of variant classification. Additional details can be found in publication PMID: 35346344, PMCID: PMC8962531

Genome-Nilou Lab
Classification: Benign for Tuberous sclerosis 2. Last evaluated: 2021-11-07. Review status: criteria provided, single submitter. Criteria: ACMG Guidelines, 2015. Collection method: clinical testing. Allele origin: germline. Affected: no.

Ambry Genetics
Classification: Likely benign for Hereditary cancer-predisposing syndrome. Last evaluated: 2019-12-15. Review status: criteria provided, single submitter. Criteria: Ambry Variant Classification Scheme 2023. Collection method: clinical testing. Allele origin: germline.

NM_000548.5(TSC2):c.3735G>A (p.Arg1245=)

Gene: TSC2 (TSC complex subunit 2; plus strand). Cytogenetic location: 16p13.3.
Variant type: single nucleotide variant.
Coding change: c.3735G>A on transcript NM_000548.5 (MANE Select); coding-DNA position 3735, G replaced by A.
Protein change: p.Arg1245=; no amino-acid change (arginine 1245 retained).
Molecular consequence: synonymous variant.
Genome position (GRCh38, 1-based): chr16:2,081,719, G>A. VCF-style: chr16-2081719-G-A. GRCh37 (hg19) VCF-style: chr16-2131720-G-A.
Other names: c.3603G>A, p.Arg1201= (NM_001077183.3, NM_001370404.1); c.3735G>A, p.Arg1245= (NM_001114382.3); c.3495G>A, p.Arg1165= (NM_001318827.2); c.3459G>A, p.Arg1153= (NM_001318829.2); c.3003G>A, p.Arg1001= (NM_001318831.2); c.3636G>A, p.Arg1212= (NM_001318832.2); c.3606G>A, p.Arg1202= (NM_001363528.2, NM_001370405.1, NM_021055.3).
Identifiers: ClinVar variation 766314 (VCV000766314.19), dbSNP rs756959674, ClinGen allele CA048215.